The following is an entry in ClinVar:

NM_001377142.1(PLCB4):c.607G>A (p.Ala203Thr)

Gene: PLCB4 (phospholipase C beta 4; plus strand). Cytogenetic location: 20p12.2.
Variant type: single nucleotide variant.
Coding change: c.607G>A on transcript NM_001377142.1 (MANE Select); coding-DNA position 607, G replaced by A.
Protein change: p.Ala203Thr; replaces alanine 203 with threonine.
Molecular consequence: missense variant.
Genome position (GRCh38, 1-based): chr20:9,372,324, G>A. VCF-style: chr20-9372324-G-A. GRCh37 (hg19) VCF-style: chr20-9352971-G-A.
Other names: c.607G>A, p.Ala203Thr (NM_000933.4, NM_001172646.2, NM_001377134.2 and 4 more transcripts); short protein forms A203T.
Identifiers: ClinVar variation 895822 (VCV000895822.8), dbSNP rs151335126, ClinGen allele CA9760877.

ClinVar aggregate classification (germline): Benign/Likely benign. Review status: criteria provided, multiple submitters, no conflicts (2 of 4 stars). 2 submissions from 2 submitters: Benign (1); Likely benign (1). Last evaluated 2024-10-15.

Conditions:
Auriculocondylar syndrome 2 (ARCND2A). Also called: AURICULOCONDYLAR SYNDROME 2A. Identifiers: Orphanet 137888, MedGen C3553404, MONDO:0013845, OMIM 614669.

Allele frequency attached by ClinVar (database versions not stated): ExAC 0.00022; gnomAD exomes 0.00023 and 0.00031; gnomAD 0.00031 and 0.00034; ESP Exome Variant Server 0.00038; TOPMed 0.00038.
gnomAD v4.1: 480 of 1,587,192 alleles (0.03%); highest among the groups gnomAD compares: Non-Finnish European, 0.04%; no homozygotes.

Submissions (2):

Labcorp Genetics (formerly Invitae), Labcorp
Classification: Likely benign. Last evaluated: 2024-10-15. Review status: criteria provided, single submitter. Criteria: Invitae Variant Classification Sherloc (09022015). Collection method: clinical testing. Allele origin: germline.

Illumina Laboratory Services, Illumina
Classification: Benign for Auriculocondylar syndrome 2. Last evaluated: 2018-01-12. Review status: criteria provided, single submitter. Criteria: ICSL Variant Classification Criteria 13 December 2019. Collection method: clinical testing. Allele origin: germline.
Comment: This variant was observed in the ICSL laboratory as part of a predisposition screen in an ostensibly healthy population. It had not been previously curated by ICSL or reported in the Human Gene Mutation Database (HGMD: prior to June 1st, 2018), and was therefore a candidate for classification through an automated scoring system. Utilizing variant allele frequency, disease prevalence and penetrance estimates, and inheritance mode, an automated score was calculated to assess if this variant is too frequent to cause the disease. Based on the score and internal cut-off values, a variant classified as benign is not then subjected to further curation. The score for this variant resulted in a classification of benign for this disease.